The following is an entry in ClinVar:

ClinVar aggregate classification (germline): Likely benign (0 of 4 stars; one submission).

Conditions:
SERAC1-related disorder. Also called: SERAC1-related condition; SERAC1-related disorders.

Submission:

PreventionGenetics, part of Exact Sciences
Classification: Likely benign for SERAC1-related condition. Last evaluated: 2024-05-13. Review status: no assertion criteria provided. Collection method: clinical testing. Allele origin: germline.
Comment: This variant is classified as likely benign based on ACMG/AMP sequence variant interpretation guidelines (Richards et al. 2015 PMID: 25741868, with internal and published modifications).

NM_032861.4(SERAC1):c.92-245G>A

Gene: SERAC1 (serine active site containing 1; minus strand). Cytogenetic location: 6q25.3.
Variant type: single nucleotide variant.
Coding change: c.92-245G>A on transcript NM_032861.4 (MANE Select); 245 bases into the intron before coding-DNA position 92, G replaced by A.
Molecular consequence: intron variant.
Genome position (GRCh38, 1-based): chr6:158,155,596, C>T on the plus strand (G>A on the coding strand, the complement: SERAC1 is on the minus strand). VCF-style: chr6-158155596-C-T. GRCh37 (hg19) VCF-style: chr6-158576628-C-T.
Identifiers: ClinVar variation 3355672 (VCV003355672.1).
Genomic context (GRCh38, chr6:158,155,596, plus strand): 5'-CAAGTACTAAGTGCAAATATAATGTATATTGATGACATTTCATACCTCCCCTTTCTCCAC[C>T]TCCTAGTCCCTGTTCCACTACTGATGCTAGTAGGACTACAATGCTTCCACCAAATGCAAC-3'